The following is an entry in ClinVar:

ClinVar aggregate classification (germline): Uncertain significance (1 of 4 stars; one submission).

Conditions:
Fanconi anemia complementation group J. Also called: BRIP1-Related Fanconi Anemia. Identifiers: Orphanet 84, MedGen C1836860, MONDO:0012187, OMIM 609054.
Familial cancer of breast. Also called: BREAST CANCER, FAMILIAL; Hereditary breast cancer; hereditary breast carcinoma. Identifiers: Orphanet 227535, MedGen C0346153, MONDO:0016419, OMIM 114480. Disease mechanism: loss of function.

Submission:

Labcorp Genetics (formerly Invitae), Labcorp
Classification: Uncertain significance for Familial cancer of breast; Fanconi anemia complementation group J. Last evaluated: 2024-06-07. Review status: criteria provided, single submitter. Criteria: Invitae Variant Classification Sherloc (09022015). Collection method: clinical testing. Allele origin: germline.
Comment: This sequence change replaces alanine, which is neutral and non-polar, with valine, which is neutral and non-polar, at codon 80 of the BRIP1 protein (p.Ala80Val). This variant is not present in population databases (gnomAD no frequency). This variant has not been reported in the literature in individuals affected with BRIP1-related conditions. Advanced modeling of protein sequence and biophysical properties (such as structural, functional, and spatial information, amino acid conservation, physicochemical variation, residue mobility, and thermodynamic stability) performed at Invitae indicates that this missense variant is not expected to disrupt BRIP1 protein function with a negative predictive value of 80%. In summary, the available evidence is currently insufficient to determine the role of this variant in disease. Therefore, it has been classified as a Variant of Uncertain Significance.

NM_032043.3(BRIP1):c.239C>T (p.Ala80Val)

Gene: BRIP1 (BRCA1 interacting DNA helicase 1; minus strand). Cytogenetic location: 17q23.2.
Variant type: single nucleotide variant.
Coding change: c.239C>T on transcript NM_032043.3 (MANE Select); coding-DNA position 239, C replaced by T.
Protein change: p.Ala80Val; replaces alanine 80 with valine.
Molecular consequence: missense variant.
Genome position (GRCh38, 1-based): chr17:61,857,198, G>A on the plus strand (C>T on the coding strand, the complement: BRIP1 is on the minus strand). VCF-style: chr17-61857198-G-A. GRCh37 (hg19) VCF-style: chr17-59934559-G-A.
Other names: short protein forms A80V.
Identifiers: ClinVar variation 3756722 (VCV003756722.2).
Genomic context (GRCh38, chr17:61,857,198, plus strand): 5'-ATGTCATTGTTTGTAAAATCCTTTGAATGGCATGCACAACAACATGACAATTGTACTTCA[G>A]CTTTTTCACTTACGCCCTCATCTGCTGGTTTCCCTAAAAATGAAAGAACATCTATTTATA-3'
Protein context (NP_114432.2, residues 70-90): KPADEGVSEK[Ala80Val]EVQLSCCCAC